The following is an entry in ClinVar:

ClinVar aggregate classification (germline): Uncertain significance (1 of 4 stars; one submission).

Allele frequency attached by ClinVar (database versions not stated): gnomAD exomes 0.00001.
gnomAD v4.1: 7 of 1,611,552 alleles (0.00043%); highest among the groups gnomAD compares: Non-Finnish European, 0.00059%; no homozygotes.

Submission:

GeneDx
Classification: Uncertain significance. Last evaluated: 2022-01-10. Review status: criteria provided, single submitter. Criteria: GeneDx Variant Classification Process June 2021. Collection method: clinical testing. Allele origin: germline. Affected: yes.
Comment: Not observed at significant frequency in large population cohorts (gnomAD); Has not been previously published as pathogenic or benign to our knowledge; Regulatory variants have not been reported in the Human Gene Mutation Database in individuals with SETD5-related disorders (HGMD); This variant could disrupt the regulatory region of the SETD5 gene

NM_001080517.3(SETD5):c.-4C>T

Gene: SETD5 (SET domain containing 5; plus strand). Cytogenetic location: 3p25.3.
Variant type: single nucleotide variant.
Coding change: c.-4C>T on transcript NM_001080517.3 (MANE Select); 4 bases upstream of the start codon, C replaced by T.
Molecular consequence: 5 prime UTR variant.
Genome position (GRCh38, 1-based): chr3:9,428,935, C>T. VCF-style: chr3-9428935-C-T. GRCh37 (hg19) VCF-style: chr3-9470619-C-T.
Other names: c.-562C>T (NM_001292043.2); c.-603C>T (NM_001349451.2).
Identifiers: ClinVar variation 1695843 (VCV001695843.2), dbSNP rs2039635429, ClinGen allele CA2561851727.
Genomic context (GRCh38, chr3:9,428,935, plus strand): 5'-CTCAGAGTGGTCAGTCTCCATTAATTGGACCCCGTGATTTCCAATCTCTGCTGTGTTGGA[C>T]GTCATGAGCATTGCAATCCCTCTGGGAGTCACCACATCAGATACATCCTACTCAGATATG-3'